The following is an entry in ClinVar:

NM_001381902.1(SAGE1):c.1814T>G (p.Phe605Cys)

Gene: SAGE1 (sarcoma antigen 1; plus strand). Cytogenetic location: Xq26.3.
Variant type: single nucleotide variant.
Coding change: c.1814T>G on transcript NM_001381902.1 (MANE Select); coding-DNA position 1814, T replaced by G.
Protein change: p.Phe605Cys; replaces phenylalanine 605 with cysteine.
Molecular consequence: missense variant.
Genome position (GRCh38, 1-based): chrX:135,910,120, T>G. VCF-style: chrX-135910120-T-G. GRCh37 (hg19) VCF-style: chrX-134992279-T-G.
Other names: c.1814T>G, p.Phe605Cys (NM_018666.3); short protein forms F605C.
Identifiers: ClinVar variation 3050479 (VCV003050479.2), dbSNP rs188785844, ClinGen allele CA10524268.

ClinVar aggregate classification (germline): Likely benign (0 of 4 stars; one submission).

Conditions:
SAGE1-related disorder. Also called: SAGE1-related condition.

Allele frequency attached by ClinVar (database versions not stated): gnomAD exomes 0.00008; TOPMed 0.00020; gnomAD 0.00028; ExAC 0.00040; 1000 Genomes Project 0.00238; 1000 Genomes Project 30x 0.00250.
gnomAD v4.1: 144 of 1,205,998 alleles (0.012%); highest among the groups gnomAD compares: East Asian, 0.31%; 1 homozygote.

Submission:

PreventionGenetics, part of Exact Sciences
Classification: Likely benign for SAGE1-related condition. Last evaluated: 2019-07-12. Review status: no assertion criteria provided. Collection method: clinical testing. Allele origin: germline.
Comment: This variant is classified as likely benign based on ACMG/AMP sequence variant interpretation guidelines (Richards et al. 2015 PMID: 25741868, with internal and published modifications).